The following is an entry in ClinVar:

ClinVar aggregate classification (germline): Uncertain significance (1 of 4 stars; one submission).

Allele frequency attached by ClinVar (database versions not stated): gnomAD exomes 0.00002; ExAC 0.00010; gnomAD 0.00011; TOPMed 0.00012; 1000 Genomes Project 30x 0.00016; 1000 Genomes Project 0.00020.
gnomAD v4.1: 48 of 1,612,786 alleles (0.003%); highest among the groups gnomAD compares: African/African-American, 0.027%; no homozygotes.

Submission:

Labcorp Genetics (formerly Invitae), Labcorp
Classification: Uncertain significance. Last evaluated: 2022-07-24. Review status: criteria provided, single submitter. Criteria: Invitae Variant Classification Sherloc (09022015). Collection method: clinical testing. Allele origin: germline.
Comment: This sequence change replaces arginine, which is basic and polar, with histidine, which is basic and polar, at codon 265 of the CCDC88C protein (p.Arg265His). This variant is present in population databases (rs537787720, gnomAD 0.04%). This variant has not been reported in the literature in individuals affected with CCDC88C-related conditions. Algorithms developed to predict the effect of missense changes on protein structure and function are either unavailable or do not agree on the potential impact of this missense change (SIFT: "Deleterious"; PolyPhen-2: "Probably Damaging"; Align-GVGD: "Class C0"). In summary, the available evidence is currently insufficient to determine the role of this variant in disease. Therefore, it has been classified as a Variant of Uncertain Significance.

NM_001080414.4(CCDC88C):c.794G>A (p.Arg265His)

Gene: CCDC88C (coiled-coil domain containing 88C; minus strand). Cytogenetic location: 14q32.11.
Variant type: single nucleotide variant.
Coding change: c.794G>A on transcript NM_001080414.4 (MANE Select); coding-DNA position 794, G replaced by A.
Protein change: p.Arg265His; replaces arginine 265 with histidine.
Molecular consequence: missense variant.
Genome position (GRCh38, 1-based): chr14:91,339,293, C>T on the plus strand (G>A on the coding strand, the complement: CCDC88C is on the minus strand). VCF-style: chr14-91339293-C-T. GRCh37 (hg19) VCF-style: chr14-91805637-C-T.
Other names: short protein forms R265H.
Identifiers: ClinVar variation 2140152 (VCV002140152.1), dbSNP rs537787720, ClinGen allele CA7310115.